The following is an entry in ClinVar:

ClinVar aggregate classification (germline): Benign/Likely benign. Review status: criteria provided, multiple submitters, no conflicts (2 of 4 stars). 6 submissions from 6 submitters: Benign (1); Likely benign (3). 2 of the submissions do not count toward it. Last evaluated 2026-01-30.

Allele frequency attached by ClinVar (database versions not stated): gnomAD exomes 0.00027 and 0.00058; ExAC 0.00082; ESP Exome Variant Server 0.00208; gnomAD 0.00216 and 0.00222; TOPMed 0.00244; 1000 Genomes Project 0.00379; 1000 Genomes Project 30x 0.00406.
gnomAD v4.1: 746 of 1,610,682 alleles (0.046%); highest among the groups gnomAD compares: African/African-American, 0.74%; no homozygotes.

Submissions (6):

Labcorp Genetics (formerly Invitae), Labcorp
Classification: Benign. Last evaluated: 2026-01-30. Review status: criteria provided, single submitter. Criteria: Invitae Variant Classification Sherloc (09022015). Collection method: clinical testing. Allele origin: germline.

CeGaT Center for Human Genetics Tuebingen
Classification: Likely benign. Last evaluated: 2025-12-01. Review status: criteria provided, single submitter. Criteria: CeGaT Center For Human Genetics Tuebingen Variant Classification Criteria Version 2. Collection method: clinical testing. Allele origin: germline. Affected: yes. Observed: 5 variant alleles.
Comment: DCHS1: BP4, BP7

Blueprint Genetics
Classification: Likely benign. Last evaluated: 2024-11-06. Review status: criteria provided, single submitter. Criteria: ACMG Guidelines, 2015. Collection method: clinical testing. Allele origin: germline.

GeneDx
Classification: Likely benign. Last evaluated: 2020-10-12. Review status: criteria provided, single submitter. Criteria: GeneDx Variant Classification Process June 2021. Collection method: clinical testing. Allele origin: germline. Affected: yes.

Clinical Genetics DNA and cytogenetics Diagnostics Lab, Erasmus MC, Erasmus Medical Center
Classification: Likely benign. Review status: no assertion criteria provided. Collection method: clinical testing. Allele origin: germline. Affected: yes. Study: VKGL Data-share Consensus. Not counted in ClinVar's aggregate classification.

Clinical Genetics, Academic Medical Center
Classification: Likely benign. Review status: no assertion criteria provided. Collection method: clinical testing. Allele origin: germline. Affected: yes. Study: VKGL Data-share Consensus. Not counted in ClinVar's aggregate classification.

NM_003737.4(DCHS1):c.5604G>A (p.Val1868=)

Gene: DCHS1 (dachsous cadherin-related 1; minus strand). Cytogenetic location: 11p15.4.
Variant type: single nucleotide variant.
Coding change: c.5604G>A on transcript NM_003737.4 (MANE Select); coding-DNA position 5604, G replaced by A.
Protein change: p.Val1868=; no amino-acid change (valine 1868 retained).
Molecular consequence: synonymous variant.
Genome position (GRCh38, 1-based): chr11:6,627,435, C>T on the plus strand (G>A on the coding strand, the complement: DCHS1 is on the minus strand). VCF-style: chr11-6627435-C-T. GRCh37 (hg19) VCF-style: chr11-6648666-C-T.
Identifiers: ClinVar variation 789787 (VCV000789787.52), dbSNP rs147841363, ClinGen allele CA5860055.